The following is an entry in ClinVar:

NM_001374385.1(ATP8B1):c.3567G>A (p.Glu1189=)

Genes: ATP8B1 (ATPase phospholipid transporting 8B1; minus strand), ATP8B1-AS1 (ATP8B1 antisense RNA 1; plus strand). Cytogenetic location: 18q21.31.
Variant type: single nucleotide variant.
Coding change: c.3567G>A on transcript NM_001374385.1 (MANE Select); coding-DNA position 3567, G replaced by A.
Protein change: p.Glu1189=; no amino-acid change (glutamic acid 1189 retained).
Molecular consequence: synonymous variant.
Genome position (GRCh38, 1-based): chr18:57,648,677, C>T on the plus strand (G>A on the coding strand, the complement: ATP8B1 is on the minus strand). VCF-style: chr18-57648677-C-T. GRCh37 (hg19) VCF-style: chr18-55315909-C-T.
Other names: c.3567G>A (NM_005603.4); c.3417G>A, p.Glu1139= (NM_001374386.1); c.3567G>A, p.Glu1189= (NM_005603.6).
Identifiers: ClinVar variation 2709146 (VCV002709146.4), dbSNP rs1909361289, ClinGen allele CA504012901.

ClinVar aggregate classification (germline): Likely benign. Review status: criteria provided, multiple submitters, no conflicts (2 of 4 stars). 2 submissions from 2 submitters: Likely benign (2). Last evaluated 2026-05-29.

Conditions:
ATP8B1-related disorder. Also called: ATP8B1-related disorders; ATP8B1-related condition.

Submissions (2):

PreventionGenetics, part of Exact Sciences
Classification: Likely benign for ATP8B1-related condition. Last evaluated: 2026-05-29. Review status: criteria provided, single submitter. Criteria: ACMG Guidelines, 2015. Collection method: clinical testing. Allele origin: germline.
Comment: This variant is classified as likely benign based on ACMG/AMP sequence variant interpretation guidelines (Richards et al. 2015 PMID: 25741868, with internal and published modifications).

Labcorp Genetics (formerly Invitae), Labcorp
Classification: Likely benign. Last evaluated: 2024-01-12. Review status: criteria provided, single submitter. Criteria: Invitae Variant Classification Sherloc (09022015). Collection method: clinical testing. Allele origin: germline.